The following is an entry in ClinVar:

ClinVar aggregate classification (germline): Uncertain significance (1 of 4 stars; one submission).

gnomAD v4.1: 1 of 1,613,996 alleles (0.000062%); highest among the groups gnomAD compares: Non-Finnish European, 0.000085%; no homozygotes.

Submission:

Women's Health and Genetics/Laboratory Corporation of America, LabCorp
Classification: Uncertain significance. Last evaluated: 2025-04-21. Review status: criteria provided, single submitter. Criteria: LabCorp Variant Classification Summary - May 2015. Collection method: clinical testing. Allele origin: germline.
Comment: Variant summary: COL12A1 c.2426C>A (p.Ala809Asp) results in a non-conservative amino acid change in the encoded protein sequence. Three of five in-silico tools predict a damaging effect of the variant on protein function. The variant was absent in 249070 control chromosomes. The available data on variant occurrences in the general population are insufficient to allow any conclusion about variant significance. To our knowledge, no occurrence of c.2426C>A in individuals affected with Ullrich congenital muscular dystrophy 2 and no experimental evidence demonstrating its impact on protein function have been reported. No submitters have cited clinical-significance assessments for this variant to ClinVar. Based on the evidence outlined above, the variant was classified as uncertain significance.

NM_004370.6(COL12A1):c.2426C>A (p.Ala809Asp)

Gene: COL12A1 (collagen type XII alpha 1 chain; minus strand). Cytogenetic location: 6q13.
Variant type: single nucleotide variant.
Coding change: c.2426C>A on transcript NM_004370.6 (MANE Select); coding-DNA position 2426, C replaced by A.
Protein change: p.Ala809Asp; replaces alanine 809 with aspartic acid.
Molecular consequence: missense variant. On other transcripts: intron variant (2).
Genome position (GRCh38, 1-based): chr6:75,177,674, G>T on the plus strand (C>A on the coding strand, the complement: COL12A1 is on the minus strand). VCF-style: chr6-75177674-G-T. GRCh37 (hg19) VCF-style: chr6-75887390-G-T.
Other names: c.2426C>A, p.Ala809Asp (NM_001424113.1, NM_001424114.1, NM_001424115.1); c.73+25046C>A (NM_001424116.1, NM_080645.3); short protein forms A809D.
Identifiers: ClinVar variation 3896154 (VCV003896154.2).